The following is an entry in ClinVar:

ClinVar aggregate classification (germline): Uncertain significance (1 of 4 stars; one submission).

Conditions:
Cardiac arrhythmia. Also called: Arrhythmia; Cardiac rhythm disease. Identifiers: MedGen C0003811, MONDO:0007263, HP:0011675.

Allele frequency attached by ClinVar (database versions not stated): TOPMed below 0.00001; gnomAD exomes 0.00002.
gnomAD v4.1: 29 of 1,614,068 alleles (0.0018%); highest among the groups gnomAD compares: Non-Finnish European, 0.0024%; no homozygotes.

Submission:

Labcorp Genetics (formerly Invitae), Labcorp
Classification: Uncertain significance for Cardiac arrhythmia. Last evaluated: 2024-08-29. Review status: criteria provided, single submitter. Criteria: Invitae Variant Classification Sherloc (09022015). Collection method: clinical testing. Allele origin: germline.
Comment: This sequence change replaces valine, which is neutral and non-polar, with isoleucine, which is neutral and non-polar, at codon 80 of the RANGRF protein (p.Val80Ile). This variant is not present in population databases (gnomAD no frequency). This variant has not been reported in the literature in individuals affected with RANGRF-related conditions. An algorithm developed to predict the effect of missense changes on protein structure and function (PolyPhen-2) suggests that this variant is likely to be tolerated. In summary, the available evidence is currently insufficient to determine the role of this variant in disease. Therefore, it has been classified as a Variant of Uncertain Significance.

NM_016492.5(RANGRF):c.238G>A (p.Val80Ile)

Genes: RANGRF (RAN guanine nucleotide release factor; plus strand), SLC25A35 (solute carrier family 25 member 35; minus strand). Cytogenetic location: 17p13.1.
Variant type: single nucleotide variant.
Coding change: c.238G>A on transcript NM_016492.5 (MANE Select); coding-DNA position 238, G replaced by A.
Protein change: p.Val80Ile; replaces valine 80 with isoleucine.
Molecular consequence: missense variant. On other transcripts: 3 prime UTR variant (2), non-coding transcript variant (2), intron variant (1).
Genome position (GRCh38, 1-based): chr17:8,289,301, G>A. VCF-style: chr17-8289301-G-A. GRCh37 (hg19) VCF-style: chr17-8192619-G-A.
Other names: c.238G>A, p.Val80Ile (NM_001177801.2, NM_001177802.2, NM_001330127.2); c.*182C>T (NM_001320872.2); c.*315C>T (NM_201520.3); c.*42+273C>T (NM_001320871.2); short protein forms V80I.
Identifiers: ClinVar variation 2715610 (VCV002715610.3), dbSNP rs1990291243, ClinGen allele CA397994736.